The following is an entry in ClinVar:

ClinVar aggregate classification (germline): Conflicting classifications of pathogenicity. Review status: criteria provided, conflicting classifications (1 of 4 stars). 6 submissions from 6 submitters: Uncertain significance (4); Likely benign (2). Last evaluated 2026-01-12.

Conditions:
Potassium-aggravated myotonia. Also called: Myotonia congenita, atypical, acetazolamide-responsive; MYOTONIA CONGENITA, ACETAZOLAMIDE-RESPONSIVE; MYOTONIA CONGENITA, ATYPICAL; SODIUM CHANNEL MUSCLE DISEASE. Identifiers: Orphanet 612, Orphanet 99734, Orphanet 99735, Orphanet 99736, MedGen C2931826, MONDO:0018959, OMIM 608390.
Congenital myasthenic syndrome 16. Identifiers: Orphanet 590, MedGen C3280112, MONDO:0013620, OMIM 614198.
Paramyotonia congenita of Von Eulenburg. Also called: Paramyotonia Congenita; PARALYSIS PERIODICA PARAMYOTONICA; Eulenburg disease; Myotonia congenita intermittens; Von Eulenburg paramyotonia congenita. Identifiers: Orphanet 684, MedGen C0221055, MONDO:0008195, OMIM 168300. Disease mechanism: loss of function.
Hypokalemic periodic paralysis, type 2 (HOKPP2). Identifiers: Orphanet 681, MedGen C2750061, MONDO:0013234, OMIM 613345.
Congenital myopathy 22A, classic (CMYO22A). Identifiers: MedGen C5830453, MONDO:0957247, OMIM 620351.
Congenital myopathy 22B, severe fetal (CMYO22B). Identifiers: MedGen C5830501, MONDO:0957265, OMIM 620369.
Hyperkalemic periodic paralysis. Also called: Familial hyperkalemic periodic paralysis; Gamstorp disease. Identifiers: Orphanet 682, MedGen C0238357, MONDO:0008224, OMIM 170500, HP:0007215.
Inborn genetic diseases. Identifiers: MedGen C0950123, MeSH D030342.

Allele frequency attached by ClinVar (database versions not stated): gnomAD exomes 0.00006 and 0.00008; ESP Exome Variant Server 0.00040; 1000 Genomes Project 30x 0.00094; ExAC 0.00009; gnomAD 0.00029; TOPMed 0.00033; 1000 Genomes Project 0.00080.
gnomAD v4.1: 133 of 1,607,950 alleles (0.0083%); highest among the groups gnomAD compares: African/African-American, 0.11%; no homozygotes.

Submissions (6):

Labcorp Genetics (formerly Invitae), Labcorp
Classification: Likely benign for Hyperkalemic periodic paralysis. Last evaluated: 2026-01-12. Review status: criteria provided, single submitter. Criteria: Invitae Variant Classification Sherloc (09022015). Collection method: clinical testing. Allele origin: germline.

Ambry Genetics
Classification: Uncertain significance for Inborn genetic diseases. Last evaluated: 2025-08-31. Review status: criteria provided, single submitter. Criteria: Ambry Variant Classification Scheme 2023. Collection method: clinical testing. Allele origin: germline.

GeneDx
Classification: Uncertain significance. Last evaluated: 2025-03-13. Review status: criteria provided, single submitter. Criteria: GeneDx Variant Classification Process June 2021. Collection method: clinical testing. Allele origin: germline. Affected: yes.
Comment: In silico analysis supports that this missense variant has a deleterious effect on protein structure/function; Has not been previously published as pathogenic or benign to our knowledge

Fulgent Genetics
Classification: Uncertain significance for Paramyotonia congenita of Von Eulenburg; Hyperkalemic periodic paralysis; Potassium-aggravated myotonia; Hypokalemic periodic paralysis, type 2; Congenital myasthenic syndrome 16; Congenital myopathy 22A, classic; Congenital myopathy 22B, severe fetal. Last evaluated: 2024-05-15. Review status: criteria provided, single submitter. Criteria: ACMG Guidelines, 2015. Collection method: clinical testing. Allele origin: germline.

Athena Diagnostics
Classification: Likely benign. Last evaluated: 2020-09-21. Review status: criteria provided, single submitter. Criteria: Athena Diagnostics criteria. Collection method: clinical testing. Allele origin: unknown.

Revvity Omics, Revvity
Classification: Uncertain significance. Last evaluated: 2019-06-13. Review status: criteria provided, single submitter. Criteria: ACMG Guidelines, 2015. Collection method: clinical testing. Allele origin: germline.

NM_000334.4(SCN4A):c.218C>T (p.Pro73Leu)

Gene: SCN4A (sodium voltage-gated channel alpha subunit 4; minus strand). Cytogenetic location: 17q23.3.
Variant type: single nucleotide variant.
Coding change: c.218C>T on transcript NM_000334.4 (MANE Select); coding-DNA position 218, C replaced by T.
Protein change: p.Pro73Leu; replaces proline 73 with leucine.
Molecular consequence: missense variant.
Genome position (GRCh38, 1-based): chr17:63,972,624, G>A on the plus strand (C>T on the coding strand, the complement: SCN4A is on the minus strand). VCF-style: chr17-63972624-G-A. GRCh37 (hg19) VCF-style: chr17-62049984-G-A.
Other names: short protein forms P73L.
Identifiers: ClinVar variation 1011205 (VCV001011205.15), dbSNP rs75086141, ClinGen allele CA8710253.